The following is an entry in ClinVar:

NM_006214.4(PHYH):c.19G>A (p.Ala7Thr)

Genes: PHYH (phytanoyl-CoA 2-hydroxylase; minus strand), LOC130003374 (ATAC-STARR-seq lymphoblastoid silent region 2152; plus strand). Cytogenetic location: 10p13.
Variant type: single nucleotide variant.
Coding change: c.19G>A on transcript NM_006214.4 (MANE Select); coding-DNA position 19, G replaced by A.
Protein change: p.Ala7Thr; replaces alanine 7 with threonine.
Molecular consequence: missense variant.
Genome position (GRCh38, 1-based): chr10:13,300,024, C>T on the plus strand (G>A on the coding strand, the complement: PHYH is on the minus strand). VCF-style: chr10-13300024-C-T. GRCh37 (hg19) VCF-style: chr10-13342024-C-T.
Other names: c.19G>A, p.Ala7Thr (NM_001323082.2, NM_001323083.2); short protein forms A7T.
Identifiers: ClinVar variation 971436 (VCV000971436.9), dbSNP rs746485843, ClinGen allele CA203286392.

ClinVar aggregate classification (germline): Uncertain significance (1 of 4 stars; one submission).

Conditions:
Refsum disease, classic. Also called: PHYH-Related Refsum Disease; HEREDOPATHIA ATACTICA POLYNEURITIFORMIS; HMSN IV; PHYTANIC ACID OXIDASE DEFICIENCY. Identifiers: Orphanet 773, MedGen C5780941, MONDO:1060256, OMIM 266500. Disease mechanism: loss of function.

Allele frequency attached by ClinVar (database versions not stated): gnomAD exomes 0.00001.

Submission:

Labcorp Genetics (formerly Invitae), Labcorp
Classification: Uncertain significance. Last evaluated: 2021-08-31. Review status: criteria provided, single submitter. Criteria: Invitae Variant Classification Sherloc (09022015). Collection method: clinical testing. Allele origin: germline.
Comment: This sequence change replaces alanine with threonine at codon 7 of the PHYH protein (p.Ala7Thr). The alanine residue is weakly conserved and there is a small physicochemical difference between alanine and threonine. The frequency data for this variant in the population databases is considered unreliable, as metrics indicate insufficient coverage at this position in the ExAC database. This variant has not been reported in the literature in individuals affected with PHYH-related conditions. Algorithms developed to predict the effect of missense changes on protein structure and function (SIFT, PolyPhen-2, Align-GVGD) all suggest that this variant is likely to be tolerated. In summary, the available evidence is currently insufficient to determine the role of this variant in disease. Therefore, it has been classified as a Variant of Uncertain Significance.